The following is an entry in ClinVar:

NM_015189.3(EXOC6B):c.1405G>T (p.Val469Leu)

Gene: EXOC6B (exocyst complex component 6B; minus strand). Cytogenetic location: 2p13.2.
Variant type: single nucleotide variant.
Coding change: c.1405G>T on transcript NM_015189.3 (MANE Select); coding-DNA position 1405, G replaced by T.
Protein change: p.Val469Leu; replaces valine 469 with leucine.
Molecular consequence: missense variant. On other transcripts: non-coding transcript variant (2).
Genome position (GRCh38, 1-based): chr2:72,496,492, C>A on the plus strand (G>T on the coding strand, the complement: EXOC6B is on the minus strand). VCF-style: chr2-72496492-C-A. GRCh37 (hg19) VCF-style: chr2-72723621-C-A.
Other names: c.1405G>T, p.Val469Leu (NM_001321729.2, NM_001321730.2, NM_001321731.2 and 1 more transcripts); c.1066G>T, p.Val356Leu (NM_001321734.2); short protein forms V356L, V469L.
Identifiers: ClinVar variation 4805193 (VCV004805193.1).

ClinVar aggregate classification (germline): Uncertain significance (1 of 4 stars; one submission).

Submission:

Labcorp Genetics (formerly Invitae), Labcorp
Classification: Uncertain significance. Last evaluated: 2025-08-04. Review status: criteria provided, single submitter. Criteria: Invitae Variant Classification Sherloc (09022015). Collection method: clinical testing. Allele origin: germline.
Comment: This sequence change replaces valine, which is neutral and non-polar, with leucine, which is neutral and non-polar, at codon 469 of the EXOC6B protein (p.Val469Leu). This variant is not present in population databases (gnomAD no frequency). This variant has not been reported in the literature in individuals affected with EXOC6B-related conditions. Experimental studies and prediction algorithms are not available or were not evaluated, and the functional significance of this variant is currently unknown. In summary, the available evidence is currently insufficient to determine the role of this variant in disease. Therefore, it has been classified as a Variant of Uncertain Significance.